The following is an entry in ClinVar:

ClinVar aggregate classification (germline): Uncertain significance. Review status: criteria provided, multiple submitters, no conflicts (2 of 4 stars). 2 submissions from 2 submitters: Uncertain significance (2). Last evaluated 2023-02-22.

Conditions:
Epileptic encephalopathy. Identifiers: MedGen C0543888, HP:0200134.

Allele frequency attached by ClinVar (database versions not stated): gnomAD 0.00001; gnomAD exomes 0.00001 and 0.00003; TOPMed 0.00001; ExAC 0.00002; ESP Exome Variant Server 0.00016.
gnomAD v4.1: 44 of 1,602,042 alleles (0.0027%); highest among the groups gnomAD compares: East Asian, 0.0067%; no homozygotes.

Submissions (2):

Ambry Genetics
Classification: Uncertain significance. Last evaluated: 2023-02-22. Review status: criteria provided, single submitter. Criteria: Ambry Variant Classification Scheme 2023. Collection method: clinical testing. Allele origin: germline.

Labcorp Genetics (formerly Invitae), Labcorp
Classification: Uncertain significance for Epileptic encephalopathy. Last evaluated: 2019-03-11. Review status: criteria provided, single submitter. Criteria: Invitae Variant Classification Sherloc (09022015). Collection method: clinical testing. Allele origin: germline.
Comment: In summary, the available evidence is currently insufficient to determine the role of this variant in disease. Therefore, it has been classified as a Variant of Uncertain Significance. Algorithms developed to predict the effect of sequence changes on RNA splicing suggest that this variant may create or strengthen a splice site, but this prediction has not been confirmed by published transcriptional studies. Algorithms developed to predict the effect of missense changes on protein structure and function (SIFT, PolyPhen-2, Align-GVGD) all suggest that this variant is likely to be disruptive, but these predictions have not been confirmed by published functional studies and their clinical significance is uncertain. This variant has not been reported in the literature in individuals with RYR3-related conditions. This variant is present in population databases (rs368930817, ExAC 0.003%). This sequence change replaces isoleucine with valine at codon 2047 of the RYR3 protein (p.Ile2047Val). The isoleucine residue is highly conserved and there is a small physicochemical difference between isoleucine and valine.

NM_001036.6(RYR3):c.6139A>G (p.Ile2047Val)

Gene: RYR3 (ryanodine receptor 3; plus strand). Cytogenetic location: 15q14.
Variant type: single nucleotide variant.
Coding change: c.6139A>G on transcript NM_001036.6 (MANE Select); coding-DNA position 6139, A replaced by G.
Protein change: p.Ile2047Val; replaces isoleucine 2047 with valine.
Molecular consequence: missense variant.
Genome position (GRCh38, 1-based): chr15:33,697,886, A>G. VCF-style: chr15-33697886-A-G. GRCh37 (hg19) VCF-style: chr15-33990087-A-G.
Other names: c.6139A>G, p.Ile2047Val (NM_001243996.4); c.6139A>G (NM_001036.3); short protein forms I2047V.
Identifiers: ClinVar variation 847492 (VCV000847492.11), dbSNP rs368930817, ClinGen allele CA7459468.